The following is an entry in ClinVar:

NM_018972.4(GDAP1):c.484+3A>G

Gene: GDAP1 (ganglioside induced differentiation associated protein 1; plus strand). Cytogenetic location: 8q21.11.
Variant type: single nucleotide variant.
Coding change: c.484+3A>G on transcript NM_018972.4 (MANE Select); 3 bases into the intron after coding-DNA position 484, A replaced by G.
Molecular consequence: intron variant.
Genome position (GRCh38, 1-based): chr8:74,360,313, A>G. VCF-style: chr8-74360313-A-G. GRCh37 (hg19) VCF-style: chr8-75272548-A-G.
Other names: c.484+3A>G (NM_001362931.2); c.311-1571A>G (NM_001362930.2); c.157+3A>G (NM_001362929.2, NM_001362932.2); c.280+3A>G (NM_001040875.4).
Identifiers: ClinVar variation 2016495 (VCV002016495.6), dbSNP rs2536741796, ClinGen allele CA2580078945.

ClinVar aggregate classification (germline): Uncertain significance/VUS-high. Review status: criteria provided, multiple submitters, no conflicts (2 of 4 stars). 3 submissions from 3 submitters: Uncertain significance (2); VUS-high (1). Last evaluated 2026-01-31.

Conditions:
Charcot-Marie-Tooth disease type 4A. Also called: Charcot-Marie-Tooth disease, demyelinating, autosomal recessive, type 4a. Identifiers: Orphanet 99948, MedGen C1859198, MONDO:0008961, OMIM 214400.
Charcot-Marie-Tooth disease axonal type 2K (CMT2K). Also called: CHARCOT-MARIE-TOOTH DISEASE, AXONAL, AUTOSOMAL RECESSIVE, TYPE 2K; CHARCOT-MARIE-TOOTH NEUROPATHY, AXONAL, TYPE 2K; Charcot-Marie-Tooth disease type 2K. Identifiers: Orphanet 101097, Orphanet 99944, MedGen C1842983, MONDO:0011916, OMIM 607831.

Submissions (3):

Genetic Diseases Diagnostic Center, Koc University Hospital
Classification: VUS-high for Charcot-Marie-Tooth disease axonal type 2K. Last evaluated: 2026-01-31. Review status: criteria provided, single submitter. Criteria: ACMG Guidelines, 2015. Collection method: clinical testing. Allele origin: biparental. Inheritance: Autosomal recessive inheritance. Affected: yes.
Comment: The GDAP1 c.484+3A>G variant affects a canonical splice site, and it is predicted to cause a splicing defect (Pangolin score: 0.69) (PP3). To the best of our knowledge, it has been reported neither in the population databases (gnomAD, 1000 G, ESP) (PM2) nor in the affected patients in the literature. Thus, it is classified as variant of uncertain significance according to the ACMG/AMP criteria.

Labcorp Genetics (formerly Invitae), Labcorp
Classification: Uncertain significance for Charcot-Marie-Tooth disease type 4A. Last evaluated: 2025-02-17. Review status: criteria provided, single submitter. Criteria: Invitae Variant Classification Sherloc (09022015). Collection method: clinical testing. Allele origin: germline.
Comment: This sequence change falls in intron 3 of the GDAP1 gene. It does not directly change the encoded amino acid sequence of the GDAP1 protein. It affects a nucleotide within the consensus splice site. This variant is not present in population databases (gnomAD no frequency). This variant has not been reported in the literature in individuals affected with GDAP1-related conditions. ClinVar contains an entry for this variant (Variation ID: 2016495). Variants that disrupt the consensus splice site are a relatively common cause of aberrant splicing (PMID: 17576681, 9536098). Algorithms developed to predict the effect of sequence changes on RNA splicing suggest that this variant may disrupt the consensus splice site. In summary, the available evidence is currently insufficient to determine the role of this variant in disease. Therefore, it has been classified as a Variant of Uncertain Significance.

Dasa
Classification: Uncertain significance. Last evaluated: 2024-11-04. Review status: criteria provided, single submitter. Criteria: DASA Assertion Criteria. Collection method: clinical testing. Allele origin: germline.
Comment: NM_018972.4(GDAP1):c.484+3A>G is a splice-region variant predicted to affect normal RNA splicing. This variant has been observed in affected individuals with GDAP1-related disorders. Also, this variant is absent from population databases. Computational prediction algorithms are consistent with a deleterious effect. The currently available literature and clinical evidence are not sufficient to establish a definitive association between this variant and the reported condition. Therefore, this variant is classified as a variant of uncertain significance.

Literature cited by the submitters: PubMed 17576681 (cited by Labcorp Genetics (formerly Invitae), Labcorp); PubMed 9536098 (cited by Labcorp Genetics (formerly Invitae), Labcorp).